The following is an entry in ClinVar:

NM_004006.3(DMD):c.8668+209C>T

Gene: DMD (dystrophin; minus strand). Cytogenetic location: Xp21.2.
Variant type: single nucleotide variant.
Coding change: c.8668+209C>T on transcript NM_004006.3 (MANE Select); 209 bases into the intron after coding-DNA position 8668, C replaced by T.
Molecular consequence: intron variant.
Genome position (GRCh38, 1-based): chrX:31,478,774, G>A on the plus strand (C>T on the coding strand, the complement: DMD is on the minus strand). VCF-style: chrX-31478774-G-A. GRCh37 (hg19) VCF-style: chrX-31496891-G-A.
Other names: c.8644+209C>T (NM_000109.4); c.4645+209C>T (NM_004011.4); c.4636+209C>T (NM_004012.4); c.1288+209C>T (NM_004023.3, NM_004020.4, NM_004022.3 and 2 more transcripts); c.481+209C>T (NM_004014.3); c.8656+209C>T (NM_004009.3); c.8299+209C>T (NM_004010.3).
Identifiers: ClinVar variation 672527 (VCV000672527.2), dbSNP rs66517855, ClinGen allele CA328434549.

ClinVar aggregate classification (germline): Benign. Review status: criteria provided, multiple submitters, no conflicts (2 of 4 stars). 2 submissions from 2 submitters: Benign (2). Last evaluated 2018-06-14.

Allele frequency attached by ClinVar (database versions not stated): gnomAD 0.12028 and 0.12381; TOPMed 0.12943; 1000 Genomes Project 0.13589; 1000 Genomes Project 30x 0.13715.
gnomAD v4.1: 13,276 of 111,044 alleles (12%); highest among the groups gnomAD compares: African/African-American, 28%; 991 homozygotes.

Submissions (2):

GeneDx
Classification: Benign. Last evaluated: 2018-06-14. Review status: criteria provided, single submitter. Criteria: GeneDx Variant Classification (06012015). Collection method: clinical testing. Allele origin: germline. Affected: yes.
Comment: This variant is considered likely benign or benign based on one or more of the following criteria: it is a conservative change, it occurs at a poorly conserved position in the protein, it is predicted to be benign by multiple in silico algorithms, and/or has population frequency not consistent with disease.

Breakthrough Genomics
Classification: Benign. Review status: criteria provided, single submitter. Criteria: ACMG Guidelines, 2015. Collection method: not provided. Allele origin: germline. Inheritance: X-linked inheritance. Affected: yes.